The following is an entry in ClinVar:

NM_005186.4(CAPN1):c.878G>A (p.Arg293Gln)

Gene: CAPN1 (calpain 1; plus strand). Cytogenetic location: 11q13.1.
Variant type: single nucleotide variant.
Coding change: c.878G>A on transcript NM_005186.4 (MANE Select); coding-DNA position 878, G replaced by A.
Protein change: p.Arg293Gln; replaces arginine 293 with glutamine.
Molecular consequence: missense variant. On other transcripts: non-coding transcript variant (1).
Genome position (GRCh38, 1-based): chr11:65,187,989, G>A. VCF-style: chr11-65187989-G-A. GRCh37 (hg19) VCF-style: chr11-64955460-G-A.
Other names: c.878G>A, p.Arg293Gln (NM_001198868.2, NM_001198869.2); c.878G>A (NM_001198868.1); short protein forms R293Q.
Identifiers: ClinVar variation 1510773 (VCV001510773.7), dbSNP rs956439042, ClinGen allele CA223931950.
Genomic context (GRCh38, chr11:65,187,989, plus strand): 5'-GCACTGACAGGAGCTCTGGCAAATAGGTGAACTACCGAGGCCAGGTGGTGAGCCTGATCC[G>A]GATGCGGAACCCCTGGGGCGAGGTGGAGTGGACGGGAGCCTGGAGCGACAGGTGAGGGGC-3'
Protein context (NP_005177.2, residues 283-303): NYRGQVVSLI[Arg293Gln]MRNPWGEVEW

ClinVar aggregate classification (germline): Uncertain significance. Review status: criteria provided, multiple submitters, no conflicts (2 of 4 stars). 2 submissions from 2 submitters: Uncertain significance (2). Last evaluated 2024-11-15.

Conditions:
Inborn genetic diseases. Identifiers: MedGen C0950123, MeSH D030342.

Allele frequency attached by ClinVar (database versions not stated): gnomAD exomes 0.00001.
gnomAD v4.1: 18 of 1,562,706 alleles (0.0012%); highest among the groups gnomAD compares: Middle Eastern, 0.017%; no homozygotes.

Submissions (2):

Ambry Genetics
Classification: Uncertain significance for Inborn genetic diseases. Last evaluated: 2024-11-15. Review status: criteria provided, single submitter. Criteria: Ambry Variant Classification Scheme 2023. Collection method: clinical testing. Allele origin: germline.

Labcorp Genetics (formerly Invitae), Labcorp
Classification: Uncertain significance. Last evaluated: 2021-08-04. Review status: criteria provided, single submitter. Criteria: Invitae Variant Classification Sherloc (09022015). Collection method: clinical testing. Allele origin: germline.
Comment: This sequence change replaces arginine with glutamine at codon 293 of the CAPN1 protein (p.Arg293Gln). The arginine residue is highly conserved and there is a small physicochemical difference between arginine and glutamine. This variant is not present in population databases (ExAC no frequency). This variant has not been reported in the literature in individuals affected with CAPN1-related conditions. Algorithms developed to predict the effect of missense changes on protein structure and function are either unavailable or do not agree on the potential impact of this missense change (SIFT: "Tolerated"; PolyPhen-2: "Probably Damaging"; Align-GVGD: "Class C0"). In summary, the available evidence is currently insufficient to determine the role of this variant in disease. Therefore, it has been classified as a Variant of Uncertain Significance.